The following is an entry in ClinVar:

ClinVar aggregate classification (germline): Pathogenic (1 of 4 stars; one submission).

Conditions:
Neurofibromatosis, type 1 (NF1). Also called: Peripheral type neurofibromatosis; VON RECKLINGHAUSEN DISEASE; Neurofibromatosis, type I; NEUROFIBROMATOSIS, TYPE I, SOMATIC. Identifiers: Orphanet 636, MedGen C0027831, MONDO:0018975, OMIM 162200. Disease mechanism: loss of function.

Submission:

Labcorp Genetics (formerly Invitae), Labcorp
Classification: Pathogenic for Neurofibromatosis, type 1. Last evaluated: 2024-02-22. Review status: criteria provided, single submitter. Criteria: Invitae Variant Classification Sherloc (09022015). Collection method: clinical testing. Allele origin: germline.
Comment: This sequence change creates a premature translational stop signal (p.Asn355Argfs*22) in the NF1 gene. It is expected to result in an absent or disrupted protein product. Loss-of-function variants in NF1 are known to be pathogenic (PMID: 10712197, 23913538). This variant is not present in population databases (gnomAD no frequency). This variant has not been reported in the literature in individuals affected with NF1-related conditions. For these reasons, this variant has been classified as Pathogenic.

Literature cited by the submitters: PubMed 10712197; PubMed 23913538.

NM_001042492.3(NF1):c.1061_1062dup (p.Asn355fs)

Gene: NF1 (neurofibromin 1; plus strand). Cytogenetic location: 17q11.2.
Variant type: Duplication.
Coding change: c.1061_1062dup on transcript NM_001042492.3 (MANE Select); coding-DNA positions 1061 to 1062, 2 bases duplicated (AG; older notation c.1061_1062dupAG).
Protein change: p.Asn355fs; shifts the reading frame from asparagine 355.
Molecular consequence: frameshift variant.
Genome position (GRCh38, 1-based): chr17:31,200,594-31,200,595, AG duplicated. VCF-style (leftmost placement, unchanged base first): chr17-31200593-A-AAG. GRCh37 (hg19) VCF-style: chr17-29527611-A-AAG.
Other names: c.1061_1062dup, p.Asn355Argfs (NM_000267.4); c.1061_1062dup, p.Asn355fs (NM_001128147.3); short protein forms N355fs.
Identifiers: ClinVar variation 3642424 (VCV003642424.2).